The following is an entry in ClinVar:

NM_000127.3(EXT1):c.651_668del (p.Lys218_Thr223del)

Gene: EXT1 (exostosin glycosyltransferase 1; minus strand). Cytogenetic location: 8q24.11.
Variant type: Deletion.
Coding change: c.651_668del on transcript NM_000127.3 (MANE Select); coding-DNA positions 651 to 668, 18 bases deleted (CAAAGCCAGCATCAGTAC).
Protein change: p.Lys218_Thr223del.
Molecular consequence: inframe deletion.
Genome position (GRCh38, 1-based): chr8:118,110,379-118,110,396, GTACTGATGCTGGCTTTG deleted on the plus strand (CAAAGCCAGCATCAGTAC on the coding strand, the reverse complement: EXT1 is on the minus strand); deleting any 18 consecutive bases within chr8:118,110,379-118,110,397 gives the same sequence; the c. name uses the placement nearest the transcript's 3' end. VCF-style (leftmost placement, unchanged base first): chr8-118110378-AGTACTGATGCTGGCTTTG-A. GRCh37 (hg19) VCF-style: chr8-119122617-AGTACTGATGCTGGCTTTG-A.
Other names: c.651_668del18 (NM_000127.2).
Identifiers: ClinVar variation 2023911 (VCV002023911.5), dbSNP rs2488051193, ClinGen allele CA2579235244.

ClinVar aggregate classification (germline): Conflicting classifications of pathogenicity. Review status: criteria provided, conflicting classifications (1 of 4 stars). 2 submissions from 2 submitters: Pathogenic (1); Uncertain significance (1). Last evaluated 2022-09-19.

Conditions:
Multiple congenital exostosis (EXT). Also called: Multiple exostoses; Multiple osteochondromas; MULTIPLE CARTILAGINOUS EXOSTOSES; Hereditary multiple exostoses; Hereditary multiple exostosis; Hereditary multiple osteochondromas. Identifiers: Orphanet 321, MedGen C0015306, MONDO:0005508, HP:0002762.
EXT1-related disorder. Also called: EXT1-related condition.

Submissions (2):

PreventionGenetics, part of Exact Sciences
Classification: Uncertain significance for EXT1-related condition. Last evaluated: 2022-09-19. Review status: criteria provided, single submitter. Criteria: ACMG Guidelines, 2015. Collection method: clinical testing. Allele origin: germline.
Comment: The EXT1 c.651_668del18 variant is predicted to result in an in-frame deletion (p.Lys218_Thr223del). To our knowledge, this variant has not been reported in the literature or in a large population database, indicating this variant is rare. Other overlapping small deletions of various sizes resulting in frameshift protein products have been reported in individuals with multiple osteochondroma or multiple exostoses (see for example Santos et al. 2018. PubMed ID: 29529714; Seki et al. 2001. PubMed ID: 11170095; Lonie et al. 2006. PubMed ID: 17041877). Although we suspect this variant may be pathogenic, at this time the clinical significance of this variant is uncertain due to the absence of conclusive functional and genetic evidence.

Labcorp Genetics (formerly Invitae), Labcorp
Classification: Pathogenic for Multiple congenital exostosis. Last evaluated: 2022-08-13. Review status: criteria provided, single submitter. Criteria: Invitae Variant Classification Sherloc (09022015). Collection method: clinical testing. Allele origin: germline.
Comment: For these reasons, this variant has been classified as Pathogenic. This variant disrupts a region of the EXT1 protein in which other variant(s) (p.Ser220Asn) have been determined to be pathogenic (PMID: 19810120, 23262345, 29126381). This suggests that this is a clinically significant region of the protein, and that variants that disrupt it are likely to be disease-causing. This variant has been observed in individual(s) with multiple osteochondromas (Invitae). This variant is not present in population databases (gnomAD no frequency). This variant, c.651_668del, results in the deletion of 6 amino acid(s) of the EXT1 protein (p.Lys218_Thr223del), but otherwise preserves the integrity of the reading frame.

Literature cited by the submitters: PubMed 19810120 (cited by Labcorp Genetics (formerly Invitae), Labcorp); PubMed 23262345 (cited by Labcorp Genetics (formerly Invitae), Labcorp); PubMed 29126381 (cited by Labcorp Genetics (formerly Invitae), Labcorp).